The following is an entry in ClinVar:

ClinVar aggregate classification (germline): Pathogenic (1 of 4 stars; one submission).

Submission:

Labcorp Genetics (formerly Invitae), Labcorp
Classification: Pathogenic. Last evaluated: 2023-07-17. Review status: criteria provided, single submitter. Criteria: Invitae Variant Classification Sherloc (09022015). Collection method: clinical testing. Allele origin: germline.
Comment: For these reasons, this variant has been classified as Pathogenic. This variant has not been reported in the literature in individuals affected with PCNT-related conditions. This variant is not present in population databases (gnomAD no frequency). This sequence change creates a premature translational stop signal (p.Gly2437Glufs*94) in the PCNT gene. It is expected to result in an absent or disrupted protein product. Loss-of-function variants in PCNT are known to be pathogenic (PMID: 18174396, 22821869).

Literature cited by the submitters: PubMed 18174396; PubMed 22821869.

NM_006031.6(PCNT):c.7310del (p.Gly2437fs)

Gene: PCNT (pericentrin; plus strand). Cytogenetic location: 21q22.3.
Variant type: Deletion.
Coding change: c.7310del on transcript NM_006031.6 (MANE Select); coding-DNA position 7310, one base deleted (G; older notation c.7310delG).
Protein change: p.Gly2437fs; shifts the reading frame from glycine 2437.
Molecular consequence: frameshift variant.
Genome position (GRCh38, 1-based): chr21:46,425,961, G deleted; the last of 5 consecutive G bases (chr21:46,425,957-46,425,961); deleting any one gives the same sequence. VCF-style (leftmost placement, unchanged base first): chr21-46425956-TG-T. GRCh37 (hg19) VCF-style: chr21-47845870-TG-T.
Other names: c.6956del, p.Gly2319fs (NM_001315529.2); short protein forms G2437fs, G2319fs.
Identifiers: ClinVar variation 2744462 (VCV002744462.3), dbSNP rs2518936483, ClinGen allele CA2697547603.